The following is an entry in ClinVar:

ClinVar aggregate classification (germline): Likely benign (0 of 4 stars; one submission).

Conditions:
PLXNA1-related disorder. Also called: PLXNA1-related condition.

gnomAD v4.1: 10 of 1,609,182 alleles (0.00062%); highest among the groups gnomAD compares: African/African-American, 0.013%; no homozygotes.

Submission:

PreventionGenetics, part of Exact Sciences
Classification: Likely benign for PLXNA1-related condition. Last evaluated: 2022-03-17. Review status: no assertion criteria provided. Collection method: clinical testing. Allele origin: germline.
Comment: This variant is classified as likely benign based on ACMG/AMP sequence variant interpretation guidelines (Richards et al. 2015 PMID: 25741868, with internal and published modifications).

NM_032242.4(PLXNA1):c.5061+7C>T

Gene: PLXNA1 (plexin A1; plus strand). Cytogenetic location: 3q21.3.
Variant type: single nucleotide variant.
Coding change: c.5061+7C>T on transcript NM_032242.4 (MANE Select); 7 bases into the intron after coding-DNA position 5061, C replaced by T.
Molecular consequence: intron variant.
Genome position (GRCh38, 1-based): chr3:127,030,071, C>T. VCF-style: chr3-127030071-C-T. GRCh37 (hg19) VCF-style: chr3-126748914-C-T.
Identifiers: ClinVar variation 3357955 (VCV003357955.1).
Genomic context (GRCh38, chr3:127,030,071, plus strand): 5'-CGCGGCAGCAAGATGGTCTCGGAGATCTACTTGACACGGCTACTGGCCACCAAGGTGGGC[C>T]TGGCTGGCAGATGGGGGCAGGGGACGCTGGGCCAACTGAGCTCAGAGAAAGTGCCAAGCC-3'